The following is an entry in ClinVar:

NM_001080467.3(MYO5B):c.2091G>C (p.Arg697Ser)

Gene: MYO5B (myosin VB; minus strand). Cytogenetic location: 18q21.1.
Variant type: single nucleotide variant.
Coding change: c.2091G>C on transcript NM_001080467.3 (MANE Select); coding-DNA position 2091, G replaced by C.
Protein change: p.Arg697Ser; replaces arginine 697 with serine.
Molecular consequence: missense variant.
Genome position (GRCh38, 1-based): chr18:49,912,173, C>G on the plus strand (G>C on the coding strand, the complement: MYO5B is on the minus strand). VCF-style: chr18-49912173-C-G. GRCh37 (hg19) VCF-style: chr18-47438543-C-G.
Other names: short protein forms R697S.
Identifiers: ClinVar variation 1421489 (VCV001421489.6), dbSNP rs774688133, ClinGen allele CA8961212.

ClinVar aggregate classification (germline): Uncertain significance (1 of 4 stars; one submission).

Allele frequency attached by ClinVar (database versions not stated): gnomAD exomes 0.00001 and 0.00002; ExAC 0.00002.
gnomAD v4.1: 7 of 1,613,472 alleles (0.00043%); highest among the groups gnomAD compares: Admixed American, 0.0067%; no homozygotes.

Submission:

Labcorp Genetics (formerly Invitae), Labcorp
Classification: Uncertain significance. Last evaluated: 2020-11-11. Review status: criteria provided, single submitter. Criteria: Invitae Variant Classification Sherloc (09022015). Collection method: clinical testing. Allele origin: germline.
Comment: In summary, the available evidence is currently insufficient to determine the role of this variant in disease. Therefore, it has been classified as a Variant of Uncertain Significance. Algorithms developed to predict the effect of sequence changes on RNA splicing suggest that this variant may disrupt the consensus splice site, but this prediction has not been confirmed by published transcriptional studies. Algorithms developed to predict the effect of missense changes on protein structure and function do not agree on the potential impact of this missense change (SIFT: "Deleterious"; PolyPhen-2: "Possibly Damaging"; Align-GVGD: "Class C0"). This variant has not been reported in the literature in individuals with MYO5B-related disease. This variant is present in population databases (rs774688133, ExAC 0.009%). This sequence change replaces arginine with serine at codon 697 of the MYO5B protein (p.Arg697Ser). The arginine residue is highly conserved and there is a moderate physicochemical difference between arginine and serine.